The following is an entry in ClinVar:

NM_007294.4(BRCA1):c.4387dup (p.Tyr1463fs)

Gene: BRCA1 (BRCA1 DNA repair associated; minus strand). Cytogenetic location: 17q21.31.
Variant type: Duplication.
Coding change: c.4387dup on transcript NM_007294.4 (MANE Select); coding-DNA position 4387, one base duplicated (T; older notation c.4387dupT).
Protein change: p.Tyr1463fs; shifts the reading frame from tyrosine 1463.
Molecular consequence: frameshift variant. On other transcripts: intron variant (3).
Genome position (GRCh38, 1-based): chr17:43,076,585, A duplicated on the plus strand (T on the coding strand, the reverse complement: BRCA1 is on the minus strand). VCF-style (leftmost placement, unchanged base first): chr17-43076584-T-TA. GRCh37 (hg19) VCF-style: chr17-41228601-T-TA.
Other names: c.4258dup, p.Tyr1420fs (NM_001407683.1, NM_001407685.1, NM_001407686.1 and 6 more transcripts); c.4450dup, p.Tyr1484fs (NM_007300.4, NM_001407583.1, NM_001407585.1 and 1 more transcripts); c.836-5347dup (NM_001408513.1); c.4387dup, p.Tyr1463fs (NM_001407684.1, NM_001407593.1, NM_001407594.1 and 8 more transcripts); c.4214-5347dup (NM_001407964.1); c.838+5819dup (NM_001408514.1); c.4255dup, p.Tyr1419fs (NM_001407690.1, NM_001407691.1); c.4246dup, p.Tyr1416fs (NM_001407725.1, NM_001407726.1, NM_001407692.1 and 13 more transcripts); and 72 more; short protein forms Y1167fs, Y1294fs, Y1335fs, Y1336fs, Y1392fs, Y1415fs, Y1416fs, Y1419fs.
Identifiers: ClinVar variation 3261486 (VCV003261486.1).
Genomic context (GRCh38, chr17:43,076,584, plus strand): 5'-CTATCTGCAGACACCTCAAACTTGTCAGCAGAAAGGCCTTCTGGATTCTGGCTTATAGGG[T>TA]ATTCACTACTTTTCTGTGAAGTTAATACTGCTTTAAATGGAATGAGAAAACAAATCTACT-3'

ClinVar aggregate classification (germline): Pathogenic (1 of 4 stars; one submission).

Conditions:
Hereditary cancer-predisposing syndrome. Also called: Hereditary Cancer Syndrome; Tumor predisposition; Hereditary neoplastic syndrome; Neoplastic Syndromes, Hereditary. Identifiers: Orphanet 140162, MedGen C0027672, MeSH D009386, MONDO:0015356.

Submission:

Ambry Genetics
Classification: Pathogenic for Hereditary cancer-predisposing syndrome. Last evaluated: 2024-05-31. Review status: criteria provided, single submitter. Criteria: Ambry Variant Classification Scheme 2023. Collection method: clinical testing. Allele origin: germline.
Comment: The c.4387dupT pathogenic mutation, located in coding exon 12 of the BRCA1 gene, results from a duplication of T at nucleotide position 4387, causing a translational frameshift with a predicted alternate stop codon (p.Y1463Lfs*13). This variant is considered to be rare based on population cohorts in the Genome Aggregation Database (gnomAD). This alteration is expected to result in loss of function by premature protein truncation or nonsense-mediated mRNA decay. As such, this alteration is interpreted as a disease-causing mutation.